The following is an entry in ClinVar:

NM_000059.4(BRCA2):c.6331_6332del (p.Lys2111fs)

Gene: BRCA2 (BRCA2 DNA repair associated; plus strand). Cytogenetic location: 13q13.1.
Variant type: Deletion.
Coding change: c.6331_6332del on transcript NM_000059.4 (MANE Select); coding-DNA positions 6331 to 6332, 2 bases deleted (AA; older notation c.6331_6332delAA).
Protein change: p.Lys2111fs; shifts the reading frame from lysine 2111.
Molecular consequence: frameshift variant.
Genome position (GRCh38, 1-based): chr13:32,340,686-32,340,687, AA deleted. VCF-style (leftmost placement, unchanged base first): chr13-32340685-TAA-T. GRCh37 (hg19) VCF-style: chr13-32914822-TAA-T.
Other names: 6559_6560delAA; c.6331_6332delAA (NM_000059.3).
Identifiers: ClinVar variation 141068 (VCV000141068.25), dbSNP rs587781470, ClinGen allele CA023923.
Genomic context (GRCh38, chr13:32,340,685, plus strand): 5'-TAGTCTTCACTATTCACCTACGTCTAGACAAAATGTATCAAAAATACTTCCTCGTGTTGA[TAA>T]GAGAAACCCAGAGCACTGTGTAAACTCAGAAATGGAAAAAACCTGCAGTAAAGAATTTAA-3'

ClinVar aggregate classification (germline): Pathogenic. Review status: reviewed by expert panel (3 of 4 stars). 8 submissions from 8 submitters: Pathogenic (1). 7 of the submissions do not count toward it. Last evaluated 2016-04-22.

Conditions:
Hereditary cancer-predisposing syndrome. Also called: Neoplastic Syndromes, Hereditary; Hereditary Cancer Syndrome; Hereditary neoplastic syndrome; Tumor predisposition. Identifiers: Orphanet 140162, MedGen C0027672, MeSH D009386, MONDO:0015356.
Hereditary breast ovarian cancer syndrome. Also called: Hereditary breast and ovarian cancer syndrome; Hereditary breast and/or ovarian cancer syndrome; BRCA1- and BRCA2-Associated Hereditary Breast and Ovarian Cancer; Hereditary breast and ovarian cancer; Breast and ovarian cancer; Hereditary breast and ovarian cancer syndrome (HBOC). Identifiers: Orphanet 145, MedGen C0677776, MeSH D061325, MONDO:0003582. Disease mechanism: loss of function.
Breast-ovarian cancer, familial, susceptibility to, 2 (BROVCA2). Also called: BRCA2 Hereditary Breast and Ovarian Cancer. Identifiers: Orphanet 145, MedGen C2675520, MONDO:0012933, OMIM 612555. Disease mechanism: loss of function.
Familial cancer of breast. Also called: Hereditary breast cancer; hereditary breast carcinoma; BREAST CANCER, FAMILIAL. Identifiers: Orphanet 227535, MedGen C0346153, MONDO:0016419, OMIM 114480. Disease mechanism: loss of function.

Submissions (8):

Evidence-based Network for the Interpretation of Germline Mutant Alleles (ENIGMA)
Classification: Pathogenic for Breast-ovarian cancer, familial, susceptibility to, 2. Last evaluated: 2016-04-22. Review status: reviewed by expert panel. Criteria: ENIGMA BRCA1/2 Classification Criteria (2015). Collection method: curation. Allele origin: germline.
Comment: Variant allele predicted to encode a truncated non-functional protein.

Labcorp Genetics (formerly Invitae), Labcorp
Classification: Pathogenic for Hereditary breast ovarian cancer syndrome. Last evaluated: 2025-10-20. Review status: criteria provided, single submitter. Criteria: Invitae Variant Classification Sherloc (09022015). Collection method: clinical testing. Allele origin: germline. Not counted in ClinVar's aggregate classification.
Comment: This sequence change creates a premature translational stop signal (p.Lys2111Glufs*17) in the BRCA2 gene. It is expected to result in an absent or disrupted protein product. Loss-of-function variants in BRCA2 are known to be pathogenic (PMID: 20104584). This variant is not present in population databases (gnomAD no frequency). This premature translational stop signal has been observed in individual(s) with breast cancer (PMID: 28503720). ClinVar contains an entry for this variant (Variation ID: 141068). For these reasons, this variant has been classified as Pathogenic.

Ambry Genetics
Classification: Pathogenic for Hereditary cancer-predisposing syndrome. Last evaluated: 2024-08-30. Review status: criteria provided, single submitter. Criteria: Ambry Variant Classification Scheme 2023. Collection method: clinical testing. Allele origin: germline. Not counted in ClinVar's aggregate classification.
Comment: The c.6331_6332delAA pathogenic mutation, located in coding exon 10 of the BRCA2 gene, results from a deletion of two nucleotides at nucleotide positions 6331 to 6332, causing a translational frameshift with a predicted alternate stop codon (p.K2111Efs*17). This mutation has been detected in multiple breast cancer cohorts (Rummel SK et al. Breast Cancer Res Treat. 2017 Aug;164:593-601; Rebbeck TR et al. Hum Mutat. 2018 05;39:593-620; Nones K et al. Ann Oncol. 2019 07;30:1071-1079). This variant is considered to be rare based on population cohorts in the Genome Aggregation Database (gnomAD). In addition to the clinical data presented in the literature, this alteration is expected to result in loss of function by premature protein truncation or nonsense-mediated mRNA decay. As such, this alteration is interpreted as a disease-causing mutation.

Baylor Genetics
Classification: Pathogenic for Familial cancer of breast. Last evaluated: 2024-02-02. Review status: criteria provided, single submitter. Criteria: ACMG Guidelines, 2015. Collection method: clinical testing. Allele origin: unknown. Not counted in ClinVar's aggregate classification.

Women's Health and Genetics/Laboratory Corporation of America, LabCorp
Classification: Pathogenic for Hereditary breast ovarian cancer syndrome. Last evaluated: 2022-09-15. Review status: criteria provided, single submitter. Criteria: LabCorp Variant Classification Summary - May 2015. Collection method: clinical testing. Allele origin: germline. Not counted in ClinVar's aggregate classification.
Comment: Variant summary: BRCA2 c.6331_6332delAA (p.Lys2111GlufsX17) results in a premature termination codon, predicted to cause a truncation of the encoded protein or absence of the protein due to nonsense mediated decay, which are commonly known mechanisms for disease. Truncations downstream of this position have been classified as pathogenic by our laboratory. The variant was absent in 245118 control chromosomes. c.6331_6332delAA has been reported in the literature in individuals affected with Hereditary Breast and Ovarian Cancer Syndrome (e.g. Rummel_2017, Nones_2019, Sokolenko_2020). These data indicate that the variant is likely to be associated with disease. Six clinical diagnostic laboratories have submitted clinical-significance assessments for this variant to ClinVar after 2014 without evidence for independent evaluation. All laboratories classified the variant as pathogenic. Based on the evidence outlined above, the variant was classified as pathogenic.

Color Diagnostics, LLC DBA Color Health
Classification: Pathogenic for Hereditary cancer-predisposing syndrome. Last evaluated: 2021-02-01. Review status: criteria provided, single submitter. Criteria: ACMG Guidelines, 2015. Collection method: clinical testing. Allele origin: germline. Not counted in ClinVar's aggregate classification.
Comment: This variant deletes 2 nucleotides in exon 11 of the BRCA2 gene, creating a frameshift and premature translation stop signal. This variant is expected to result in an absent or non-functional protein product. To our knowledge, functional studies have not been reported for this variant. This variant has been reported in individuals affected with breast cancer (PMID: 28503720) or suspected of having hereditary breast/ovarian cancer (PMID: 30055349). This variant has not been identified in the general population by the Genome Aggregation Database (gnomAD). Loss of BRCA2 function is a known mechanism of disease. Based on the available evidence, this variant is classified as Pathogenic.

GeneDx
Classification: Pathogenic. Last evaluated: 2019-07-02. Review status: criteria provided, single submitter. Criteria: GeneDx Variant Classification Process June 2021. Collection method: clinical testing. Allele origin: germline. Affected: yes. Not counted in ClinVar's aggregate classification.
Comment: Frameshift variant predicted to result in protein truncation or nonsense mediated decay in a gene for which loss-of-function is a known mechanism of disease; Not observed in large population cohorts (Lek et al., 2016); This variant is associated with the following publications: (PMID: 28503720, 28152038, 31090900, 32719484)

Consortium of Investigators of Modifiers of BRCA1/2 (CIMBA), c/o University of Cambridge
Classification: Pathogenic for Breast-ovarian cancer, familial, susceptibility to, 2. Last evaluated: 2015-10-02. Review status: criteria provided, single submitter. Criteria: CIMBA Mutation Classification guidelines May 2016. Collection method: clinical testing. Allele origin: germline. Not counted in ClinVar's aggregate classification.

Literature cited by the submitters: PubMed 20104584 (cited by Labcorp Genetics (formerly Invitae), Labcorp); PubMed 28503720 (cited by 3 submitters); PubMed 29446198 (cited by Ambry Genetics and Women's Health and Genetics/Laboratory Corporation of America, LabCorp); PubMed 31090900 (cited by Ambry Genetics and Women's Health and Genetics/Laboratory Corporation of America, LabCorp); PubMed 32719484 (cited by Ambry Genetics and Women's Health and Genetics/Laboratory Corporation of America, LabCorp); PubMed 30055349 (cited by Women's Health and Genetics/Laboratory Corporation of America, LabCorp); PubMed 32776218 (cited by Women's Health and Genetics/Laboratory Corporation of America, LabCorp).